The following is an entry in ClinVar:

ClinVar aggregate classification (germline): Uncertain significance (1 of 4 stars; one submission).

Conditions:
Cardiovascular phenotype. Identifiers: MedGen CN230736.

Submission:

Ambry Genetics
Classification: Uncertain significance for Cardiovascular phenotype. Last evaluated: 2021-03-08. Review status: criteria provided, single submitter. Criteria: Ambry Variant Classification Scheme 2023. Collection method: clinical testing. Allele origin: germline.
Comment: The p.D896G variant (also known as c.2687A>G), located in coding exon 16 of the SCN10A gene, results from an A to G substitution at nucleotide position 2687. The aspartic acid at codon 896 is replaced by glycine, an amino acid with similar properties. This amino acid position is highly conserved in available vertebrate species. In addition, this alteration is predicted to be deleterious by in silico analysis. Since supporting evidence is limited at this time, the clinical significance of this alteration remains unclear.

NM_006514.4(SCN10A):c.2687A>G (p.Asp896Gly)

Gene: SCN10A (sodium voltage-gated channel alpha subunit 10; minus strand). Cytogenetic location: 3p22.2.
Variant type: single nucleotide variant.
Coding change: c.2687A>G on transcript NM_006514.4 (MANE Select); coding-DNA position 2687, A replaced by G.
Protein change: p.Asp896Gly; replaces aspartic acid 896 with glycine.
Molecular consequence: missense variant.
Genome position (GRCh38, 1-based): chr3:38,727,006, T>C on the plus strand (A>G on the coding strand, the complement: SCN10A is on the minus strand). VCF-style: chr3-38727006-T-C. GRCh37 (hg19) VCF-style: chr3-38768497-T-C.
Other names: c.2687A>G, p.Asp896Gly (NM_001293306.2); c.2393A>G, p.Asp798Gly (NM_001293307.2); short protein forms D798G, D896G.
Identifiers: ClinVar variation 1794739 (VCV001794739.2), dbSNP rs375765886, ClinGen allele CA352159202.
Genomic context (GRCh38, chr3:38,727,006, plus strand): 5'-CGTGCCAGGGCCACCTGCAGGTTGTTCACCTCCCCATCGTCCTCCGGGGCTGTGAGGTTG[T>C]CAGCACTGAAAGAGTTCAATAGCAGGGCGATGAACAGGTTAAGCACCTGAAGAGAAGGAA-3'
Protein context (NP_006505.4, residues 886-906): IALLLNSFSA[Asp896Gly]NLTAPEDDGE